The following is an entry in ClinVar:

ClinVar aggregate classification (germline): Pathogenic/Likely pathogenic. Review status: criteria provided, multiple submitters, no conflicts (2 of 4 stars). 4 submissions from 4 submitters: Pathogenic (2); Likely pathogenic (2). Last evaluated 2024-01-18.

Conditions:
Glycogen storage disease, type V (GSD5). Also called: MUSCLE GLYCOGEN PHOSPHORYLASE DEFICIENCY; MYOPHOSPHORYLASE DEFICIENCY; PYGM DEFICIENCY; McArdle type glycogen storage disease; MCARDLE DISEASE. Identifiers: Orphanet 368, MedGen C0017924, MONDO:0009293, OMIM 232600.

Allele frequency attached by ClinVar (database versions not stated): gnomAD exomes below 0.00001 and 0.00002; TOPMed below 0.00001; ExAC 0.00002.
gnomAD v4.1: 6 of 1,614,214 alleles (0.00037%); highest among the groups gnomAD compares: Admixed American, 0.0067%; no homozygotes.

Submissions (4):

Baylor Genetics
Classification: Likely pathogenic for Glycogen storage disease, type V. Last evaluated: 2024-01-18. Review status: criteria provided, single submitter. Criteria: ACMG Guidelines, 2015. Collection method: clinical testing. Allele origin: unknown.

Labcorp Genetics (formerly Invitae), Labcorp
Classification: Pathogenic for Glycogen storage disease, type V. Last evaluated: 2023-07-19. Review status: criteria provided, single submitter. Criteria: Invitae Variant Classification Sherloc (09022015). Collection method: clinical testing. Allele origin: germline.
Comment: This sequence change replaces leucine, which is neutral and non-polar, with proline, which is neutral and non-polar, at codon 587 of the PYGM protein (p.Leu587Pro). For these reasons, this variant has been classified as Pathogenic. Advanced modeling of protein sequence and biophysical properties (such as structural, functional, and spatial information, amino acid conservation, physicochemical variation, residue mobility, and thermodynamic stability) performed at Invitae indicates that this missense variant is expected to disrupt PYGM protein function. ClinVar contains an entry for this variant (Variation ID: 934449). This variant is also known as L586P. This missense change has been observed in individual(s) with McArdle disease (PMID: 16154688, 26913921). It has also been observed to segregate with disease in related individuals. This variant is present in population databases (rs761438921, gnomAD 0.006%).

Revvity Omics, Revvity
Classification: Likely pathogenic for Glycogen storage disease, type V. Last evaluated: 2021-06-14. Review status: criteria provided, single submitter. Criteria: ACMG Guidelines, 2015. Collection method: clinical testing. Allele origin: germline.

Clinical Genetics Service, Universitary Hospital 12 de Octubre
Classification: Pathogenic for Glycogen storage disease, type V. Review status: criteria provided, single submitter. Criteria: ACMG Guidelines, 2015. Collection method: clinical testing. Allele origin: germline. Affected: yes.

Literature cited by the submitters: PubMed 16154688 (cited by Labcorp Genetics (formerly Invitae), Labcorp); PubMed 26913921 (cited by Labcorp Genetics (formerly Invitae), Labcorp).

NM_005609.4(PYGM):c.1760T>C (p.Leu587Pro)

Gene: PYGM (glycogen phosphorylase, muscle associated; minus strand). Cytogenetic location: 11q13.1.
Variant type: single nucleotide variant.
Coding change: c.1760T>C on transcript NM_005609.4 (MANE Select); coding-DNA position 1760, T replaced by C.
Protein change: p.Leu587Pro; replaces leucine 587 with proline.
Molecular consequence: missense variant.
Genome position (GRCh38, 1-based): chr11:64,751,932, A>G on the plus strand (T>C on the coding strand, the complement: PYGM is on the minus strand). VCF-style: chr11-64751932-A-G. GRCh37 (hg19) VCF-style: chr11-64519404-A-G.
Other names: c.1496T>C, p.Leu499Pro (NM_001164716.1); short protein forms L499P, L587P.
Identifiers: ClinVar variation 934449 (VCV000934449.15), dbSNP rs761438921, ClinGen allele CA6079765.